The following is an entry in ClinVar:

ClinVar aggregate classification (germline): Uncertain significance. Review status: criteria provided, multiple submitters, no conflicts (2 of 4 stars). 4 submissions from 4 submitters: Uncertain significance (4). Last evaluated 2026-09-17.

Conditions:
COL11A2-related disorder. Also called: COL11A2-related condition; COL11A2-related disorders.

Allele frequency attached by ClinVar (database versions not stated): ExAC 0.00003; gnomAD 0.00006 and 0.00007; gnomAD exomes 0.00007.
gnomAD v4.1: 211 of 1,579,344 alleles (0.013%); highest among the groups gnomAD compares: Middle Eastern, 0.033%; no homozygotes.

Submissions (4):

GeneDx
Classification: Uncertain significance. Last evaluated: 2026-09-17. Review status: criteria provided, single submitter. Criteria: GeneDx Variant Classification Process June 2021. Collection method: clinical testing. Allele origin: germline.
Comment: Has not been previously published as pathogenic or benign to our knowledge; In silico analysis suggests that this missense variant does not alter protein structure/function

Labcorp Genetics (formerly Invitae), Labcorp
Classification: Uncertain significance. Last evaluated: 2026-01-04. Review status: criteria provided, single submitter. Criteria: Invitae Variant Classification Sherloc (09022015). Collection method: clinical testing. Allele origin: germline.
Comment: This sequence change replaces alanine, which is neutral and non-polar, with valine, which is neutral and non-polar, at codon 1122 of the COL11A2 protein (p.Ala1122Val). This variant is present in population databases (rs748271072, gnomAD 0.01%). This variant has not been reported in the literature in individuals affected with COL11A2-related conditions. ClinVar contains an entry for this variant (Variation ID: 1309169). An algorithm developed to predict the effect of missense changes on protein structure and function (PolyPhen-2) suggests that this variant is likely to be disruptive. In summary, the available evidence is currently insufficient to determine the role of this variant in disease. Therefore, it has been classified as a Variant of Uncertain Significance.

PreventionGenetics, part of Exact Sciences
Classification: Uncertain significance for COL11A2-related condition. Last evaluated: 2025-08-06. Review status: criteria provided, single submitter. Criteria: ACMG Guidelines, 2015. Collection method: clinical testing. Allele origin: germline.
Comment: The COL11A2 c.3365C>T variant is predicted to result in the amino acid substitution p.Ala1122Val. To our knowledge, this variant has not been reported in the literature. This variant is reported in 0.012% of alleles in individuals of European (Non-Finnish) descent in gnomAD. At this time, the clinical significance of this variant is uncertain due to the absence of conclusive functional and genetic evidence.

Blueprint Genetics
Classification: Uncertain significance. Last evaluated: 2024-06-27. Review status: criteria provided, single submitter. Criteria: ACMG Guidelines, 2015. Collection method: clinical testing. Allele origin: germline.

NM_080680.3(COL11A2):c.3365C>T (p.Ala1122Val)

Gene: COL11A2 (collagen type XI alpha 2 chain; minus strand). Cytogenetic location: 6p21.32.
Variant type: single nucleotide variant.
Coding change: c.3365C>T on transcript NM_080680.3 (MANE Select); coding-DNA position 3365, C replaced by T.
Protein change: p.Ala1122Val; replaces alanine 1122 with valine.
Molecular consequence: missense variant.
Genome position (GRCh38, 1-based): chr6:33,171,115, G>A on the plus strand (C>T on the coding strand, the complement: COL11A2 is on the minus strand). VCF-style: chr6-33171115-G-A. GRCh37 (hg19) VCF-style: chr6-33138892-G-A.
Other names: c.3044C>T, p.Ala1015Val (NM_080679.3); c.3107C>T, p.Ala1036Val (NM_080681.3); short protein forms A1015V, A1036V, A1122V.
Identifiers: ClinVar variation 1309169 (VCV001309169.14), dbSNP rs748271072, ClinGen allele CA3750542.
Genomic context (GRCh38, chr6:33,171,115, plus strand): 5'-GGAGCTGAGGGAGGACCAGAGGCTGCTGGGCCTTCGGTGGGGGTGGAGGGGTCACTCACC[G>A]CTGCTCCAGGCTGCCCCACAGGACCAATGGGTCCAGGGGGTCCAGGAGGGCCCTGGGTAA-3'
Protein context (NP_542411.2, residues 1112-1132): PIGPVGQPGA[Ala1122Val]GADGEPGARG